The following is an entry in ClinVar:

NM_000179.3(MSH6):c.3259_3260insT (p.Pro1087fs)

Gene: MSH6 (mutS homolog 6; plus strand). Cytogenetic location: 2p16.3.
Variant type: Insertion.
Coding change: c.3259_3260insT on transcript NM_000179.3 (MANE Select); coding-DNA positions 3259 to 3260, T inserted.
Protein change: p.Pro1087fs; shifts the reading frame from proline 1087.
Molecular consequence: frameshift variant.
Genome position: GRCh38 VCF-style: chr2-47803506-C-CT. GRCh37 (hg19) VCF-style: chr2-48030645-C-CT.
Other names: c.2869_2870insT, p.Pro957fs (NM_001281492.2); c.2353_2354insT, p.Pro785fs (NM_001281493.2, NM_001281494.2); short protein forms P957fs, P1087fs, P785fs.
Identifiers: ClinVar variation 89361 (VCV000089361.2), dbSNP rs587779258, ClinGen allele CA012200.

ClinVar aggregate classification (germline): Pathogenic (3 of 4 stars; one submission).

Conditions:
Lynch syndrome. Identifiers: Orphanet 144, MedGen C4552100, MONDO:0005835. Disease mechanism: loss of function.

Submission:

International Society for Gastrointestinal Hereditary Tumours (InSiGHT)
Classification: Pathogenic for Lynch Syndrome. Last evaluated: 2013-09-05. Review status: reviewed by expert panel. Criteria: Guidelines v1.9. Collection method: research. Allele origin: germline.
Comment: Coding sequence variation resulting in a stop codon

Classified with v1.9 guidelines